The following is an entry in ClinVar:

NM_177438.3(DICER1):c.2477C>G (p.Thr826Ser)

Gene: DICER1 (dicer 1, ribonuclease III; minus strand). Cytogenetic location: 14q32.13.
Variant type: single nucleotide variant.
Coding change: c.2477C>G on transcript NM_177438.3 (MANE Select); coding-DNA position 2477, C replaced by G.
Protein change: p.Thr826Ser; replaces threonine 826 with serine.
Molecular consequence: missense variant.
Genome position (GRCh38, 1-based): chr14:95,108,053, G>C on the plus strand (C>G on the coding strand, the complement: DICER1 is on the minus strand). VCF-style: chr14-95108053-G-C. GRCh37 (hg19) VCF-style: chr14-95574390-G-C.
Other names: c.2477C>G, p.Thr826Ser (NM_001195573.1, NM_001271282.3, NM_001291628.2 and 1 more transcripts); short protein forms T826S.
Identifiers: ClinVar variation 1058853 (VCV001058853.10), dbSNP rs2140026171, ClinGen allele CA390881945.

ClinVar aggregate classification (germline): Uncertain significance (1 of 4 stars; one submission).

Conditions:
DICER1-related tumor predisposition. Also called: DICER1 syndrome; DICER1-related pleuropulmonary blastoma cancer predisposition syndrome. Identifiers: Orphanet 284343, MedGen C3839822, MONDO:0100216.

Submission:

Labcorp Genetics (formerly Invitae), Labcorp
Classification: Uncertain significance for DICER1-related tumor predisposition. Last evaluated: 2020-10-10. Review status: criteria provided, single submitter. Criteria: Invitae Variant Classification Sherloc (09022015). Collection method: clinical testing. Allele origin: germline.
Comment: This sequence change replaces threonine with serine at codon 826 of the DICER1 protein (p.Thr826Ser). The threonine residue is highly conserved and there is a small physicochemical difference between threonine and serine. This variant is not present in population databases (ExAC no frequency). In summary, the available evidence is currently insufficient to determine the role of this variant in disease. Therefore, it has been classified as a Variant of Uncertain Significance. Algorithms developed to predict the effect of missense changes on protein structure and function are either unavailable or do not agree on the potential impact of this missense change (SIFT: "Tolerated"; PolyPhen-2: "Possibly Damaging"; Align-GVGD: "Class C0"). This variant has not been reported in the literature in individuals with DICER1-related conditions.